The following is an entry in ClinVar:

Conditions:
Breast-ovarian cancer, familial, susceptibility to, 1 (BROVCA1). Also called: BRCA1 Hereditary Breast and Ovarian Cancer; OVARIAN CANCER, SUSCEPTIBILITY TO. Identifiers: Orphanet 145, MedGen C2676676, MONDO:0011450, OMIM 604370. Disease mechanism: loss of function.

Submission:

Brotman Baty Institute, University of Washington
No classification provided (evidence only). Condition: Breast-ovarian cancer, familial 1. Review status: no classification provided. Collection method: in vitro. Allele origin: not applicable. Functional consequence: functionally_normal.
ClinVar note: "not provided" was previously submitted as the classification for the variant. However, the classification appeared to be based only on an observation of functional data so it was converted to no classification on 2025-07-30.

NM_007294.4(BRCA1):c.4918A>T (p.Thr1640Ser)

Gene: BRCA1 (BRCA1 DNA repair associated; minus strand). Cytogenetic location: 17q21.31.
Variant type: single nucleotide variant.
Coding change: c.4918A>T on transcript NM_007294.4 (MANE Select); coding-DNA position 4918, A replaced by T.
Protein change: p.Thr1640Ser; replaces threonine 1640 with serine.
Molecular consequence: missense variant. On other transcripts: non-coding transcript variant (1).
Genome position (GRCh38, 1-based): chr17:43,070,996, T>A on the plus strand (A>T on the coding strand, the complement: BRCA1 is on the minus strand). VCF-style: chr17-43070996-T-A. GRCh37 (hg19) VCF-style: chr17-41223013-T-A.
Other names: c.4705A>T, p.Thr1569Ser (NM_001407571.1, NM_001407898.1, NM_001407899.1 and 12 more transcripts); c.4984A>T, p.Thr1662Ser (NM_001407581.1, NM_001407582.1); c.4981A>T, p.Thr1661Ser (NM_001407583.1, NM_001407585.1, NM_001407587.1 and 1 more transcripts); c.4978A>T, p.Thr1660Ser (NM_001407590.1, NM_001407591.1); c.4918A>T, p.Thr1640Ser (NM_001407593.1, NM_001407594.1, NM_001407596.1 and 8 more transcripts); c.4915A>T, p.Thr1639Ser (NM_001407610.1, NM_001407611.1, NM_001407612.1 and 17 more transcripts); c.4912A>T, p.Thr1638Ser (NM_001407627.1, NM_001407628.1, NM_001407629.1 and 14 more transcripts); c.4903A>T, p.Thr1635Ser (NM_001407647.1); and 70 more; short protein forms T536S, T1593S, T1640S, T1661S, T1471S, T1529S, T1552S, T1573S.
Identifiers: ClinVar variation 865417 (VCV000865417.3), dbSNP rs1555580683, ClinGen allele CA10591684.